The following is an entry in ClinVar:

ClinVar aggregate classification (germline): Uncertain significance. Review status: criteria provided, multiple submitters, no conflicts (2 of 4 stars). 2 submissions from 2 submitters: Uncertain significance (2). Last evaluated 2023-04-04.

Conditions:
Inborn genetic diseases. Identifiers: MedGen C0950123, MeSH D030342.

Allele frequency attached by ClinVar (database versions not stated): gnomAD exomes below 0.00001.
gnomAD v4.1: 2 of 1,613,144 alleles (0.00012%); highest among the groups gnomAD compares: East Asian, 0.0045%; no homozygotes.

Submissions (2):

Labcorp Genetics (formerly Invitae), Labcorp
Classification: Uncertain significance. Last evaluated: 2023-04-04. Review status: criteria provided, single submitter. Criteria: Invitae Variant Classification Sherloc (09022015). Collection method: clinical testing. Allele origin: germline.
Comment: This sequence change replaces alanine, which is neutral and non-polar, with aspartic acid, which is acidic and polar, at codon 1309 of the RAI1 protein (p.Ala1309Asp). This variant is present in population databases (no rsID available, gnomAD 0.006%). This variant has not been reported in the literature in individuals affected with RAI1-related conditions. Advanced modeling of protein sequence and biophysical properties (such as structural, functional, and spatial information, amino acid conservation, physicochemical variation, residue mobility, and thermodynamic stability) performed at Invitae indicates that this missense variant is expected to disrupt RAI1 protein function. In summary, the available evidence is currently insufficient to determine the role of this variant in disease. Therefore, it has been classified as a Variant of Uncertain Significance.

Ambry Genetics
Classification: Uncertain significance for Inborn genetic diseases. Last evaluated: 2023-02-15. Review status: criteria provided, single submitter. Criteria: Ambry Variant Classification Scheme 2023. Collection method: clinical testing. Allele origin: germline.

NM_030665.4(RAI1):c.3926C>A (p.Ala1309Asp)

Gene: RAI1 (retinoic acid induced 1; plus strand). Cytogenetic location: 17p11.2.
Variant type: single nucleotide variant.
Coding change: c.3926C>A on transcript NM_030665.4 (MANE Select); coding-DNA position 3926, C replaced by A.
Protein change: p.Ala1309Asp; replaces alanine 1309 with aspartic acid.
Molecular consequence: missense variant.
Genome position (GRCh38, 1-based): chr17:17,796,874, C>A. VCF-style: chr17-17796874-C-A. GRCh37 (hg19) VCF-style: chr17-17700188-C-A.
Other names: short protein forms A1309D.
Identifiers: ClinVar variation 2484138 (VCV002484138.5), dbSNP rs1230612518, ClinGen allele CA398555311.